The following is an entry in ClinVar:

ClinVar aggregate classification (germline): Uncertain significance (1 of 4 stars; one submission).

Submission:

Women's Health and Genetics/Laboratory Corporation of America, LabCorp
Classification: Uncertain significance. Last evaluated: 2025-06-23. Review status: criteria provided, single submitter. Criteria: LabCorp Variant Classification Summary - May 2015. Collection method: clinical testing. Allele origin: germline.
Comment: Variant summary: ABCC9 c.4006A>G (p.Ile1336Val) results in a conservative amino acid change in the encoded protein sequence. Algorithms developed to predict the effect of missense changes on protein structure and function are either unavailable or do not agree on the potential impact of this missense change. The variant was absent in 251178 control chromosomes. The available data on variant occurrences in the general population are insufficient to allow any conclusion about variant significance. To our knowledge, no occurrence of c.4006A>G in individuals affected with Dilated Cardiomyopathy and no experimental evidence demonstrating its impact on protein function have been reported. No submitters have cited clinical-significance assessments for this variant to ClinVar. Based on the evidence outlined above, the variant was classified as uncertain significance.

NM_020297.4(ABCC9):c.4006A>G (p.Ile1336Val)

Genes: ABCC9 (ATP binding cassette subfamily C member 9; minus strand), KCNJ8-AS1 (KCNJ8 antisense RNA 1; plus strand). Cytogenetic location: 12p12.1.
Variant type: single nucleotide variant.
Coding change: c.4006A>G on transcript NM_020297.4 (MANE Select); coding-DNA position 4006, A replaced by G.
Protein change: p.Ile1336Val; replaces isoleucine 1336 with valine.
Molecular consequence: missense variant.
Genome position (GRCh38, 1-based): chr12:21,815,780, T>C on the plus strand (A>G on the coding strand, the complement: ABCC9 is on the minus strand). VCF-style: chr12-21815780-T-C. GRCh37 (hg19) VCF-style: chr12-21968714-T-C.
Other names: c.4006A>G, p.Ile1336Val (NM_001377273.1, NM_005691.4); c.3139A>G, p.Ile1047Val (NM_001377274.1); short protein forms I1047V, I1336V.
Identifiers: ClinVar variation 3907590 (VCV003907590.1).